The following is an entry in ClinVar:

ClinVar aggregate classification (germline): Uncertain significance (1 of 4 stars; one submission).

Conditions:
Combined immunodeficiency due to ZAP70 deficiency (IMD48). Also called: Immunodeficiency 48; ZAP70 Deficiency. Identifiers: Orphanet 911, MedGen C2931299, MONDO:0010023, OMIM 269840.

Allele frequency attached by ClinVar (database versions not stated): TOPMed below 0.00001; gnomAD 0.00001.
gnomAD v4.1: 9 of 1,614,012 alleles (0.00056%); highest among the groups gnomAD compares: Non-Finnish European, 0.00059%; no homozygotes.

Submission:

Labcorp Genetics (formerly Invitae), Labcorp
Classification: Uncertain significance for Combined immunodeficiency due to ZAP70 deficiency. Last evaluated: 2021-05-01. Review status: criteria provided, single submitter. Criteria: Invitae Variant Classification Sherloc (09022015). Collection method: clinical testing. Allele origin: germline.
Comment: In summary, the available evidence is currently insufficient to determine the role of this variant in disease. Therefore, it has been classified as a Variant of Uncertain Significance. This variant has not been reported in the literature in individuals with ZAP70-related conditions. Algorithms developed to predict the effect of missense changes on protein structure and function are either unavailable or do not agree on the potential impact of this missense change (SIFT: "Not Available"; PolyPhen-2: "Probably Damaging"; Align-GVGD: "Not Available"). This sequence change replaces arginine with cysteine at codon 175 of the ZAP70 protein (p.Arg175Cys). The arginine residue is highly conserved and there is a large physicochemical difference between arginine and cysteine. This variant is present in population databases (rs752318274, ExAC 0.02%).

NM_001079.4(ZAP70):c.523C>T (p.Arg175Cys)

Gene: ZAP70 (zeta chain of T cell receptor associated protein kinase 70; plus strand). Cytogenetic location: 2q11.2.
Variant type: single nucleotide variant.
Coding change: c.523C>T on transcript NM_001079.4 (MANE Select); coding-DNA position 523, C replaced by T.
Protein change: p.Arg175Cys; replaces arginine 175 with cysteine.
Molecular consequence: missense variant.
Genome position (GRCh38, 1-based): chr2:97,725,212, C>T. VCF-style: chr2-97725212-C-T. GRCh37 (hg19) VCF-style: chr2-98341675-C-T.
Other names: c.523C>T, p.Arg175Cys (NM_001378594.1); short protein forms R175C.
Identifiers: ClinVar variation 1392233 (VCV001392233.6), dbSNP rs752318274, ClinGen allele CA1790110.
Genomic context (GRCh38, chr2:97,725,212, plus strand): 5'-ACGACGGCCCACGAGCGGATGCCCTGGTACCACAGCAGCCTGACGCGTGAGGAGGCCGAG[C>T]GCAAACTTTACTCTGGGGCGCAGACCGACGGCAAGTTCCTGTATGTGGGGCCCGGGATTT-3'
Protein context (NP_001070.2, residues 165-185): HSSLTREEAE[Arg175Cys]KLYSGAQTDG